The following is an entry in ClinVar:

ClinVar aggregate classification (germline): other (0 of 4 stars; one submission).

Conditions:
Familial colorectal cancer. Identifiers: MedGen CN280943, MONDO:0023113. Disease mechanism: loss of function.

Submission:

Systems Biology Platform Zhejiang California International NanoSystems Institute
Classification: other for Familial colorectal cancer. Review status: no assertion criteria provided. Collection method: not provided. Allele origin: unknown.
ClinVar note: Converted during submission from cancer to other.

NM_000038.6(APC):c.-18-1121C>T

Gene: APC (APC regulator of WNT signaling pathway; plus strand). Cytogenetic location: 5q22.2.
Variant type: single nucleotide variant.
Coding change: c.-18-1121C>T on transcript NM_000038.6 (MANE Select); 1121 bases into the intron before 18 bases upstream of the start codon, C replaced by T.
Molecular consequence: intron variant.
Genome position (GRCh38, 1-based): chr5:112,753,752, C>T. VCF-style: chr5-112753752-C-T. GRCh37 (hg19) VCF-style: chr5-112089449-C-T.
Other names: c.-18-1121C>T (NM_001354895.2, NM_001127510.3, NM_001354896.2 and 2 more transcripts); c.166-12574C>T (NM_001354897.2, NM_001354902.2, NM_001127511.3); c.61-12574C>T (NM_001354898.2, NM_001354904.2); c.-1053-1121C>T (NM_001354906.2); c.-42-12574C>T (NM_001354900.2, NM_001354901.2, NM_001354905.2).
Identifiers: ClinVar variation 82810 (VCV000082810.2), dbSNP rs76062715, ClinGen allele CA005991.
Genomic context (GRCh38, chr5:112,753,752, plus strand): 5'-TGAGTCCCCTGATTTCCTTTGGTAGAGTCTTCCAATTGCTGAACTCCAATATTGTCGTGA[C>T]TAGCCAGTGTTACAACCTGTCTGCCTTATTTTGTGTAATGGATTTCATATTACAGAGGCA-3'